The following is an entry in ClinVar:

ClinVar aggregate classification (germline): Likely benign (0 of 4 stars; one submission).

Conditions:
MAP3K6-related disorder. Also called: MAP3K6-related condition.

Allele frequency attached by ClinVar (database versions not stated): gnomAD 0.00015; 1000 Genomes Project 30x 0.00016; 1000 Genomes Project 0.00020; TOPMed 0.00022; ExAC 0.00034; gnomAD exomes 0.00042; ESP Exome Variant Server 0.00046.

Submission:

PreventionGenetics, part of Exact Sciences
Classification: Likely benign for MAP3K6-related condition. Last evaluated: 2019-10-28. Review status: no assertion criteria provided. Collection method: clinical testing. Allele origin: germline.
Comment: This variant is classified as likely benign based on ACMG/AMP sequence variant interpretation guidelines (Richards et al. 2015 PMID: 25741868, with internal and published modifications).

NM_004672.5(MAP3K6):c.2751C>T (p.Ser917=)

Gene: MAP3K6 (mitogen-activated protein kinase kinase kinase 6; minus strand). Cytogenetic location: 1p36.11.
Variant type: single nucleotide variant.
Coding change: c.2751C>T on transcript NM_004672.5 (MANE Select); coding-DNA position 2751, C replaced by T.
Protein change: p.Ser917=; no amino-acid change (serine 917 retained).
Molecular consequence: synonymous variant.
Genome position (GRCh38, 1-based): chr1:27,358,444, G>A on the plus strand (C>T on the coding strand, the complement: MAP3K6 is on the minus strand). VCF-style: chr1-27358444-G-A. GRCh37 (hg19) VCF-style: chr1-27684935-G-A.
Other names: c.2727C>T, p.Ser909= (NM_001297609.2).
Identifiers: ClinVar variation 3053182 (VCV003053182.2), dbSNP rs145815944, ClinGen allele CA713309.